The following is an entry in ClinVar:

NM_004725.4(BUB3):c.913G>C (p.Glu305Gln)

Gene: BUB3 (BUB3 mitotic checkpoint protein; plus strand). Cytogenetic location: 10q26.13.
Variant type: single nucleotide variant.
Coding change: c.913G>C on transcript NM_004725.4 (MANE Select); coding-DNA position 913, G replaced by C.
Protein change: p.Glu305Gln; replaces glutamic acid 305 with glutamine.
Molecular consequence: missense variant.
Genome position (GRCh38, 1-based): chr10:123,162,770, G>C. VCF-style: chr10-123162770-G-C. GRCh37 (hg19) VCF-style: chr10-124922286-G-C.
Other names: c.913G>C, p.Glu305Gln (NM_001007793.3); short protein forms E305Q.
Identifiers: ClinVar variation 1765941 (VCV001765941.2), dbSNP rs1844442265, ClinGen allele CA378627190.

ClinVar aggregate classification (germline): Uncertain significance (1 of 4 stars; one submission).

Allele frequency attached by ClinVar (database versions not stated): TOPMed 0.00001.

Submission:

Ambry Genetics
Classification: Uncertain significance. Last evaluated: 2022-10-11. Review status: criteria provided, single submitter. Criteria: Ambry Variant Classification Scheme 2023. Collection method: clinical testing. Allele origin: germline.
Comment: The p.E305Q variant (also known as c.913G>C), located in coding exon 6 of the BUB3 gene, results from a G to C substitution at nucleotide position 913. The glutamic acid at codon 305 is replaced by glutamine, an amino acid with highly similar properties. This amino acid position is conserved. In addition, this alteration is predicted to be tolerated by in silico analysis. Since supporting evidence is limited at this time, the clinical significance of this alteration remains unclear.